The following is an entry in ClinVar:

ClinVar aggregate classification (germline): Benign. Review status: criteria provided, multiple submitters, no conflicts (2 of 4 stars). 2 submissions from 2 submitters: Benign (2). Last evaluated 2018-01-13.

Conditions:
Isolated focal non-epidermolytic palmoplantar keratoderma. Also called: Palmoplantar keratoderma, nonepidermolytic, focal 2. Identifiers: Orphanet 448264, MedGen C4225339, MONDO:0014622, OMIM 616400.

Allele frequency attached by ClinVar (database versions not stated): TOPMed 0.93810; 1000 Genomes Project 0.94229; 1000 Genomes Project 30x 0.93723; gnomAD 0.94221 and 0.94598; gnomAD exomes 1.00000.
gnomAD v4.1: 144,155 of 152,296 alleles (95%); highest among the groups gnomAD compares: East Asian, 100%; 68,715 homozygotes.

Submissions (2):

Illumina Laboratory Services, Illumina
Classification: Benign for Isolated focal non-epidermolytic palmoplantar keratoderma. Last evaluated: 2018-01-13. Review status: criteria provided, single submitter. Criteria: ICSL Variant Classification Criteria 13 December 2019. Collection method: clinical testing. Allele origin: germline.
Comment: This variant was observed in the ICSL laboratory as part of a predisposition screen in an ostensibly healthy population. It had not been previously curated by ICSL or reported in the Human Gene Mutation Database (HGMD: prior to June 1st, 2018), and was therefore a candidate for classification through an automated scoring system. Utilizing variant allele frequency, disease prevalence and penetrance estimates, and inheritance mode, an automated score was calculated to assess if this variant is too frequent to cause the disease. Based on the score and internal cut-off values, a variant classified as benign is not then subjected to further curation. The score for this variant resulted in a classification of benign for this disease.

Breakthrough Genomics
Classification: Benign. Review status: criteria provided, single submitter. Criteria: ACMG Guidelines, 2015. Collection method: not provided. Allele origin: germline. Inheritance: Autosomal dominant inheritance. Affected: yes.

NM_145068.4(TRPV3):c.*2115G>A

Genes: SPATA22 (spermatogenesis associated 22; minus strand), TRPV3 (transient receptor potential cation channel subfamily V member 3; minus strand). Cytogenetic location: 17p13.2.
Variant type: single nucleotide variant.
Coding change: c.*2115G>A on transcript NM_145068.4 (MANE Select); 2115 bases downstream of the stop codon, G replaced by A.
Molecular consequence: 3 prime UTR variant. On other transcripts: intron variant (2).
Genome position (GRCh38, 1-based): chr17:3,511,802, C>T on the plus strand (G>A on the coding strand, the complement: TRPV3 is on the minus strand). VCF-style: chr17-3511802-C-T. GRCh37 (hg19) VCF-style: chr17-3415096-C-T.
Other names: c.*2115G>A (NM_001258205.2); c.-74+1610G>A (NM_001321336.2, NM_001321337.2).
Identifiers: ClinVar variation 322699 (VCV000322699.8), dbSNP rs4790505, ClinGen allele CA10649870.